The following is an entry in ClinVar:

NM_001037.5(SCN1B):c.593C>T (p.Ser198Leu)

Gene: SCN1B (sodium voltage-gated channel beta subunit 1; plus strand). Cytogenetic location: 19q13.11.
Variant type: single nucleotide variant.
Coding change: c.593C>T on transcript NM_001037.5 (MANE Select); coding-DNA position 593, C replaced by T.
Protein change: p.Ser198Leu; replaces serine 198 with leucine.
Molecular consequence: missense variant.
Genome position (GRCh38, 1-based): chr19:35,039,637, C>T. VCF-style: chr19-35039637-C-T. GRCh37 (hg19) VCF-style: chr19-35530541-C-T.
Other names: c.494C>T, p.Ser165Leu (NM_001321605.2); short protein forms S198L, S165L.
Identifiers: ClinVar variation 3438192 (VCV003438192.1).

ClinVar aggregate classification (germline): Uncertain significance (1 of 4 stars; one submission).

Conditions:
Cardiovascular phenotype. Identifiers: MedGen CN230736.

Submission:

Ambry Genetics
Classification: Uncertain significance for Cardiovascular phenotype. Last evaluated: 2024-09-14. Review status: criteria provided, single submitter. Criteria: Ambry Variant Classification Scheme 2023. Collection method: clinical testing. Allele origin: germline.
Comment: The p.S198L variant (also known as c.593C>T), located in coding exon 5 of the SCN1B gene, results from a C to T substitution at nucleotide position 593. The serine at codon 198 is replaced by leucine, an amino acid with dissimilar properties. This amino acid position is conserved. In addition, the in silico prediction for this alteration is inconclusive. Based on the available evidence, the clinical significance of this variant remains unclear.